The following is an entry in ClinVar:

NM_000521.4(HEXB):c.233_236dup (p.Ser80fs)

Gene: HEXB (hexosaminidase subunit beta; plus strand). Cytogenetic location: 5q13.3.
Variant type: Duplication.
Coding change: c.233_236dup on transcript NM_000521.4 (MANE Select); coding-DNA positions 233 to 236, 4 bases duplicated (ACAT; older notation c.233_236dupACAT).
Protein change: p.Ser80fs; shifts the reading frame from serine 80.
Molecular consequence: frameshift variant. On other transcripts: intron variant (1).
Genome position (GRCh38, 1-based): chr5:74,685,493-74,685,496, ACAT duplicated; duplicating any 4 consecutive bases within chr5:74,685,492-74,685,496 gives the same sequence; the c. name uses the placement nearest the transcript's 3' end. VCF-style (leftmost placement, unchanged base first): chr5-74685491-C-CTACA. GRCh37 (hg19) VCF-style: chr5-73981316-C-CTACA.
Other names: c.-376-3835_-376-3832dup (NM_001292004.2); short protein forms S80fs.
Identifiers: ClinVar variation 5015975 (VCV005015975.1).

ClinVar aggregate classification (germline): Pathogenic (1 of 4 stars; one submission).

Conditions:
Sandhoff disease. Also called: HEXOSAMINIDASES A AND B DEFICIENCY; Beta-hexosaminidase-beta-subunit deficiency; GM2 gangliosidosis, type 2; Total hexosaminidase deficiency; Sandhoff-Jatzkewitz-Pilz disease; GM2-GANGLIOSIDOSIS, TYPE II. Identifiers: Orphanet 796, MedGen C0036161, MONDO:0010006, OMIM 268800.

Submission:

Myriad Genetics, Inc.
Classification: Pathogenic for Sandhoff disease. Last evaluated: 2026-05-30. Review status: criteria provided, single submitter. Criteria: Myriad Autosomal Dominant, Autosomal Recessive and X-Linked Classification Criteria (2023). Collection method: clinical testing. Allele origin: unknown.
Comment: NM_000521.3(HEXB):c.233_236dupACAT(S80Hfs*36) is expected to be pathogenic in the context of Sandhoff disease. This variant is predicted to lead to an abnormal or absent protein product due to the creation of a premature termination codon in HEXB, a gene where loss-of-function variants are known to be pathogenic. Please note: this variant was assessed in the context of healthy population screening.